The following is an entry in ClinVar:

NM_014956.5(CEP164):c.1616G>C (p.Gly539Ala)

Gene: CEP164 (centrosomal protein 164; plus strand). Cytogenetic location: 11q23.3.
Variant type: single nucleotide variant.
Coding change: c.1616G>C on transcript NM_014956.5 (MANE Select); coding-DNA position 1616, G replaced by C.
Protein change: p.Gly539Ala; replaces glycine 539 with alanine.
Molecular consequence: missense variant.
Genome position (GRCh38, 1-based): chr11:117,382,834, G>C. VCF-style: chr11-117382834-G-C. GRCh37 (hg19) VCF-style: chr11-117253550-G-C.
Other names: c.1625G>C, p.Gly542Ala (NM_001271933.2); short protein forms G539A, G542A.
Identifiers: ClinVar variation 1514261 (VCV001514261.8), dbSNP rs200464405, ClinGen allele CA382713482.

ClinVar aggregate classification (germline): Uncertain significance (1 of 4 stars; one submission).

Conditions:
Nephronophthisis 15 (NPHP15). Identifiers: Orphanet 3156, MedGen C3541853, MONDO:0013917, OMIM 614845.

Submission:

Labcorp Genetics (formerly Invitae), Labcorp
Classification: Uncertain significance for Nephronophthisis 15. Last evaluated: 2022-11-22. Review status: criteria provided, single submitter. Criteria: Invitae Variant Classification Sherloc (09022015). Collection method: clinical testing. Allele origin: germline.
Comment: In summary, the available evidence is currently insufficient to determine the role of this variant in disease. Therefore, it has been classified as a Variant of Uncertain Significance. Algorithms developed to predict the effect of missense changes on protein structure and function output the following: SIFT: "Tolerated"; PolyPhen-2: "Benign"; Align-GVGD: "Class C0". The alanine amino acid residue is found in multiple mammalian species, which suggests that this missense change does not adversely affect protein function. ClinVar contains an entry for this variant (Variation ID: 1514261). This variant has not been reported in the literature in individuals affected with CEP164-related conditions. This variant is not present in population databases (gnomAD no frequency). This sequence change replaces glycine, which is neutral and non-polar, with alanine, which is neutral and non-polar, at codon 539 of the CEP164 protein (p.Gly539Ala).